The following is an entry in ClinVar:

NM_001005242.3(PKP2):c.1756A>G (p.Ile586Val)

Gene: PKP2 (plakophilin 2; minus strand). Cytogenetic location: 12p11.21.
Variant type: single nucleotide variant.
Coding change: c.1756A>G on transcript NM_001005242.3 (MANE Select); coding-DNA position 1756, A replaced by G.
Protein change: p.Ile586Val; replaces isoleucine 586 with valine.
Molecular consequence: missense variant. On other transcripts: intron variant (1).
Genome position (GRCh38, 1-based): chr12:32,822,550, T>C on the plus strand (A>G on the coding strand, the complement: PKP2 is on the minus strand). VCF-style: chr12-32822550-T-C. GRCh37 (hg19) VCF-style: chr12-32975484-T-C.
Other names: c.1888A>G, p.Ile630Val (NM_004572.4, NM_001407157.1); c.1675-1021A>G (NM_001407156.1); c.1756A>G, p.Ile586Val (NM_001407155.1, NM_001407161.1); c.1429A>G, p.Ile477Val (NM_001407158.1, NM_001407159.1, NM_001407160.1 and 1 more transcripts); short protein forms I586V, I477V, I630V.
Identifiers: ClinVar variation 2878784 (VCV002878784.3), dbSNP rs745647407, ClinGen allele CA031259.
Genomic context (GRCh38, chr12:32,822,550, plus strand): 5'-TGCCAAAACATCCAATACTTTTGTTGTTGTCAGTCTGGATATTCCGGTTTTGAATATAGA[T>C]ATTCTGGGAATATTTCTCTGGGAGCTCTGCCTCCAGCTGGTAGGAGAGGTTATGAAGAAT-3'
Protein context (NP_001005242.2, residues 576-596): AELPEKYSQN[Ile586Val]YIQNRNIQTD

ClinVar aggregate classification (germline): Uncertain significance (1 of 4 stars; one submission).

Conditions:
Arrhythmogenic right ventricular dysplasia 9 (ARVD9). Also called: Arrhythmogenic Right Ventricular Dysplasia/Cardiomyopathy 9; ARRHYTHMOGENIC RIGHT VENTRICULAR DYSPLASIA, FAMILIAL, 9. Identifiers: MedGen C1836906, MONDO:0012180, OMIM 609040.

Allele frequency attached by ClinVar (database versions not stated): gnomAD exomes below 0.00001; ExAC 0.00002.
gnomAD v4.1: 5 of 1,614,062 alleles (0.00031%); highest among the groups gnomAD compares: East Asian, 0.0045%; no homozygotes.

Submission:

Labcorp Genetics (formerly Invitae), Labcorp
Classification: Uncertain significance for Arrhythmogenic right ventricular dysplasia 9. Last evaluated: 2025-08-06. Review status: criteria provided, single submitter. Criteria: Invitae Variant Classification Sherloc (09022015). Collection method: clinical testing. Allele origin: germline.
Comment: This sequence change replaces isoleucine, which is neutral and non-polar, with valine, which is neutral and non-polar, at codon 630 of the PKP2 protein (p.Ile630Val). This variant is present in population databases (rs745647407, gnomAD 0.01%). This variant has not been reported in the literature in individuals affected with PKP2-related conditions. ClinVar contains an entry for this variant (Variation ID: 2878784). An algorithm developed to predict the effect of missense changes on protein structure and function (PolyPhen-2) suggests that this variant is likely to be tolerated. In summary, the available evidence is currently insufficient to determine the role of this variant in disease. Therefore, it has been classified as a Variant of Uncertain Significance.